The following is an entry in ClinVar:

ClinVar aggregate classification (germline): Conflicting classifications of pathogenicity. Review status: criteria provided, conflicting classifications (1 of 4 stars). 3 submissions from 3 submitters: Uncertain significance (2); Likely benign (1). Last evaluated 2024-11-27.

Conditions:
Developmental and epileptic encephalopathy, 42 (DEE42A). Also called: Epileptic encephalopathy, early infantile, 42; DEVELOPMENTAL AND EPILEPTIC ENCEPHALOPATHY 42A; EPILEPTIC ENCEPHALOPATHY, EARLY INFANTILE, 42A. Identifiers: MedGen C4310716, MONDO:0014917, OMIM 617106.
Episodic ataxia type 2 (EA2). Also called: EPISODIC ATAXIA, NYSTAGMUS-ASSOCIATED; ACETAZOLAMIDE-RESPONSIVE HEREDITARY PAROXYSMAL CEREBELLAR ATAXIA; ATAXIA, EPISODIC, WITH NYSTAGMUS; ATAXIA, FAMILIAL PAROXYSMAL; CEREBELLAR ATAXIA, PAROXYSMAL, ACETAZOLAMIDE-RESPONSIVE; CEREBELLOPATHY, HEREDITARY PAROXYSMAL. Identifiers: Orphanet 97, MedGen C1720416, MONDO:0007163, OMIM 108500.

Allele frequency attached by ClinVar (database versions not stated): gnomAD 0.00002.
gnomAD v4.1: 24 of 1,598,264 alleles (0.0015%); highest among the groups gnomAD compares: Non-Finnish European, 0.000086%; no homozygotes.

Submissions (3):

Labcorp Genetics (formerly Invitae), Labcorp
Classification: Uncertain significance for Developmental and epileptic encephalopathy, 42; Episodic ataxia type 2. Last evaluated: 2024-11-27. Review status: criteria provided, single submitter. Criteria: Invitae Variant Classification Sherloc (09022015). Collection method: clinical testing. Allele origin: germline.
Comment: This sequence change falls in intron 25 of the CACNA1A gene. It does not directly change the encoded amino acid sequence of the CACNA1A protein. It affects a nucleotide within the consensus splice site. This variant is present in population databases (rs781595676, gnomAD 0.03%). This variant has not been reported in the literature in individuals affected with CACNA1A-related conditions. ClinVar contains an entry for this variant (Variation ID: 290399). Variants that disrupt the consensus splice site are a relatively common cause of aberrant splicing (PMID: 17576681, 9536098). Algorithms developed to predict the effect of sequence changes on RNA splicing suggest that this variant is not likely to affect RNA splicing. In summary, the available evidence is currently insufficient to determine the role of this variant in disease. Therefore, it has been classified as a Variant of Uncertain Significance.

Blueprint Genetics
Classification: Likely benign. Last evaluated: 2022-11-07. Review status: criteria provided, single submitter. Criteria: ACMG Guidelines, 2015. Collection method: clinical testing. Allele origin: germline.

Eurofins Ntd Llc (ga)
Classification: Uncertain significance. Last evaluated: 2016-09-08. Review status: criteria provided, single submitter. Criteria: EGL Classification Definitions 2015. Collection method: clinical testing. Allele origin: germline. Observed: 2 variant alleles, 2 heterozygotes.

Literature cited by the submitters: PubMed 17576681 (cited by Labcorp Genetics (formerly Invitae), Labcorp); PubMed 9536098 (cited by Labcorp Genetics (formerly Invitae), Labcorp).

NM_001127222.2(CACNA1A):c.4089+3G>A

Gene: CACNA1A (calcium voltage-gated channel subunit alpha1 A; minus strand). Cytogenetic location: 19p13.13.
Variant type: single nucleotide variant.
Coding change: c.4089+3G>A on transcript NM_001127222.2 (MANE Select); 3 bases into the intron after coding-DNA position 4089, G replaced by A.
Molecular consequence: intron variant.
Genome position (GRCh38, 1-based): chr19:13,262,731, C>T on the plus strand (G>A on the coding strand, the complement: CACNA1A is on the minus strand). VCF-style: chr19-13262731-C-T. GRCh37 (hg19) VCF-style: chr19-13373545-C-T.
Other names: c.4092+3G>A (NM_001127221.2, NM_001174080.2); c.4101+3G>A (NM_000068.4, NM_023035.3).
Identifiers: ClinVar variation 290399 (VCV000290399.9), dbSNP rs781595676, ClinGen allele CA9240102.
Genomic context (GRCh38, chr19:13,262,731, plus strand): 5'-CTCAGCTGTACATGATAACCCTGACAGTCCCCCCCACCGCACCCCACCATCTCCCAATCT[C>T]ACCTTGAGCTTTGGCAGCCGCTTGATGGTTTTAAGAGGTCGTAGCACCCGGAGGACTCGG-3'